The following is an entry in ClinVar:

ClinVar aggregate classification (germline): Likely benign (1 of 4 stars; one submission).

gnomAD v4.1: 7 of 1,614,114 alleles (0.00043%); highest among the groups gnomAD compares: Non-Finnish European, 0.00059%; no homozygotes.

Submission:

CeGaT Center for Human Genetics Tuebingen
Classification: Likely benign. Last evaluated: 2025-11-01. Review status: criteria provided, single submitter. Criteria: CeGaT Center For Human Genetics Tuebingen Variant Classification Criteria Version 2. Collection method: clinical testing. Allele origin: germline. Affected: yes. Observed: 1 variant allele.
Comment: ASH1L: BS2

NM_018489.3(ASH1L):c.4112T>A (p.Phe1371Tyr)

Gene: ASH1L (ASH1 like histone lysine methyltransferase; minus strand). Cytogenetic location: 1q22.
Variant type: single nucleotide variant.
Coding change: c.4112T>A on transcript NM_018489.3 (MANE Select); coding-DNA position 4112, T replaced by A.
Protein change: p.Phe1371Tyr; replaces phenylalanine 1371 with tyrosine.
Molecular consequence: missense variant.
Genome position (GRCh38, 1-based): chr1:155,478,758, A>T on the plus strand (T>A on the coding strand, the complement: ASH1L is on the minus strand). VCF-style: chr1-155478758-A-T. GRCh37 (hg19) VCF-style: chr1-155448549-A-T.
Other names: c.4112T>A, p.Phe1371Tyr (NM_001366177.2); short protein forms F1371Y.
Identifiers: ClinVar variation 4534634 (VCV004534634.6).
Genomic context (GRCh38, chr1:155,478,758, plus strand): 5'-AGGGGTGAAGGAGAGTAAGGCATACCATAAGATGGATAGAATCCAGTACTAGAAAGAGGA[A>T]AACTAAGGCTGTGCATAAAAGGCATTTCAGCCATTGCCTCCCTCATCTTAGGGGGTCTCC-3'
Protein context (NP_060959.2, residues 1361-1381): AEMPFMHSLS[Phe1371Tyr]PLSSTGFYPS